The following is an entry in ClinVar:

NM_000419.5(ITGA2B):c.476G>T (p.Gly159Val)

Gene: ITGA2B (integrin subunit alpha 2b; minus strand). Cytogenetic location: 17q21.31.
Variant type: single nucleotide variant.
Coding change: c.476G>T on transcript NM_000419.5 (MANE Select); coding-DNA position 476, G replaced by T.
Protein change: p.Gly159Val; replaces glycine 159 with valine.
Molecular consequence: missense variant.
Genome position (GRCh38, 1-based): chr17:44,385,649, C>A on the plus strand (G>T on the coding strand, the complement: ITGA2B is on the minus strand). VCF-style: chr17-44385649-C-A. GRCh37 (hg19) VCF-style: chr17-42463017-C-A.
Other names: NM_000419.5(ITGA2B):c.476G>T; p.Gly159Val; short protein forms G159V.
Identifiers: ClinVar variation 977126 (VCV000977126.4), dbSNP rs2048641442, ClinGen allele CA399805900.
Genomic context (GRCh38, chr17:44,385,649, plus strand): 5'-CCGCGACAGGGGGAGTACTCGGCGCGGCGGCCGCTCTCTGGCTGAGCCAAAAAGCAGCTA[C>A]CTACGGGCGTCTTCTCAGCCTCCTCAGTCTTTTCTAGGACGTTCCAGTGCTGCCAGGGGG-3'
Protein context (NP_000410.2, residues 149-169): KTEEAEKTPV[Gly159Val]SCFLAQPESG

ClinVar aggregate classification (germline): Likely pathogenic. Review status: reviewed by expert panel (3 of 4 stars). 2 submissions from 2 submitters: Likely pathogenic (1). 1 of the submissions does not count toward it. Last evaluated 2025-05-01.

Conditions:
Glanzmann thrombasthenia. Also called: Thrombasthenia; BLEEDING DISORDER, PLATELET-TYPE, 2; THROMBASTHENIA OF GLANZMANN AND NAEGELI; PLATELET GLYCOPROTEIN IIb-IIIa DEFICIENCY; Glanzmann's thrombasthenia. Identifiers: Orphanet 849, MedGen C0040015, MONDO:0100326.

Submissions (2):

ClinGen Platelet Disorders Variant Curation Expert Panel, ClinGen
Classification: Likely pathogenic for Glanzmann thrombasthenia. Last evaluated: 2025-05-01. Review status: reviewed by expert panel. Criteria: ClinGen Platelet ACMG Specifications v2-1. Collection method: curation. Allele origin: germline. Inheritance: Autosomal recessive inheritance.
Comment: The missense variant NM_000419.5(ITGA2B):c.476G>T (p.Gly159Val) has been reported in at least one patient (P2 in PMID: 34275420) with mucocutaneous bleeding and impaired aggregation with all agonists except ristocetin, which is highly specific for Glanzmann thrombasthenia (PP4_moderate). The patient is homozygous for Gly159Val (PM3_supporting). This variant is absent from gnomAD v4.1 (PM2_Supporting). The computational predictor REVEL gives a score of 0.751, which is above the ClinGen PD VCEP threshold of >0.7 and predicts a damaging effect on function (PP3) and is is absent from gnomAD v2.1.1 (PM2_Supporting). Another missense variant c.475G>A (p.Gly159Ser) [PMID: 16359515] in the same codon has been classified Likely Pathogenic for Glanzmann thrombasthenia by the ClinGen PD VCEP (PM5_supporting). In summary this variant meets criteria to be classified as Likely Pathogenic for autosomal recessive Glanzmann Thrombasthenia based on the ACMG/AMP criteria applied, as specified by the ClinGen PD VCEP: PP3, PP4_moderate, PM2_supporting, PM3_supporting, PM5_supporting (VCEP specifications version 2.1).

Departement d'Immunology Plaquettaire, Institut National de la Transfusion Sanguine
Classification: Uncertain significance for Glanzmann thrombasthenia 1. Review status: criteria provided, single submitter. Criteria: ACMG Guidelines, 2015. Collection method: provider interpretation, research. Allele origin: germline. Inheritance: Autosomal recessive inheritance. Affected: yes. Observed: 2 variant alleles, 1 heterozygote, 1 homozygote. Functional consequence: sequence_variant_affecting_splicing. Not counted in ClinVar's aggregate classification.
Comment: The variant alters the expression of the platelets fibrinogen receptor alphaIIb beta3

Literature cited by the submitters: PubMed 32139434 (cited by Departement d'Immunology Plaquettaire, Institut National de la Transfusion Sanguine); PubMed 16722529 (cited by Departement d'Immunology Plaquettaire, Institut National de la Transfusion Sanguine).